The following is an entry in ClinVar:

NM_004807.3(HS6ST1):c.965C>T (p.Thr322Met)

Gene: HS6ST1 (heparan sulfate 6-O-sulfotransferase 1; minus strand). Cytogenetic location: 2q14.3.
Variant type: single nucleotide variant.
Coding change: c.965C>T on transcript NM_004807.3 (MANE Select); coding-DNA position 965, C replaced by T.
Protein change: p.Thr322Met; replaces threonine 322 with methionine.
Molecular consequence: missense variant.
Genome position (GRCh38, 1-based): chr2:128,268,433, G>A on the plus strand (C>T on the coding strand, the complement: HS6ST1 is on the minus strand). VCF-style: chr2-128268433-G-A. GRCh37 (hg19) VCF-style: chr2-129026007-G-A.
Other names: short protein forms T322M.
Identifiers: ClinVar variation 3356484 (VCV003356484.1).
Genomic context (GRCh38, chr2:128,268,433, plus strand): 5'-TCGTTGAGCTCCTCGATGCGCCGGATGGTGTCTTCATCCACCTCCACGCCGCCCGCCCGC[G>A]TGCTATTGTACTGCATGAAGGGCCGGATGAACTTGAGGTTGAACGTCCGCTCGAACAGGT-3'
Protein context (NP_004798.3, residues 312-332): FIRPFMQYNS[Thr322Met]RAGGVEVDED

ClinVar aggregate classification (germline): Uncertain significance (0 of 4 stars; one submission).

Conditions:
HS6ST1-related disorder. Also called: HS6ST1-related condition.

gnomAD v4.1: 27 of 1,613,540 alleles (0.0017%); highest among the groups gnomAD compares: Non-Finnish European, 0.0019%; no homozygotes.

Submission:

PreventionGenetics, part of Exact Sciences
Classification: Uncertain significance for HS6ST1-related condition. Last evaluated: 2024-05-28. Review status: no assertion criteria provided. Collection method: clinical testing. Allele origin: germline.
Comment: The HS6ST1 c.965C>T variant is predicted to result in the amino acid substitution p.Thr322Met. To our knowledge, this variant has not been reported in the literature. This variant is reported in 0.0046% of alleles in individuals of European (Finnish) descent in gnomAD. At this time, the clinical significance of this variant is uncertain due to the absence of conclusive functional and genetic evidence.